The following is an entry in ClinVar:

NM_001673.5(ASNS):c.244A>G (p.Lys82Glu)

Genes: ASNS (asparagine synthetase (glutamine-hydrolyzing); minus strand), CZ1P-ASNS (CZ1P-ASNS readthrough; minus strand). Cytogenetic location: 7q21.3.
Variant type: single nucleotide variant.
Coding change: c.244A>G on transcript NM_001673.5 (MANE Select); coding-DNA position 244, A replaced by G.
Protein change: p.Lys82Glu; replaces lysine 82 with glutamic acid.
Molecular consequence: missense variant. On other transcripts: non-coding transcript variant (1), intron variant (2).
Genome position (GRCh38, 1-based): chr7:97,868,913, T>C on the plus strand (A>G on the coding strand, the complement: ASNS is on the minus strand). VCF-style: chr7-97868913-T-C. GRCh37 (hg19) VCF-style: chr7-97498225-T-C.
Other names: c.181A>G, p.Lys61Glu (NM_001178075.2); c.244A>G, p.Lys82Glu (NM_001352496.2, NM_133436.3, NM_183356.4); c.-1+3438A>G (NM_001178076.2); c.-1+3128A>G (NM_001178077.1); short protein forms K82E, K61E.
Identifiers: ClinVar variation 2201970 (VCV002201970.1), dbSNP rs776166398, ClinGen allele CA4354822.

ClinVar aggregate classification (germline): Uncertain significance (1 of 4 stars; one submission).

Allele frequency attached by ClinVar (database versions not stated): gnomAD 0.00001; ExAC 0.00002; gnomAD exomes 0.00002; TOPMed 0.00002.
gnomAD v4.1: 33 of 1,613,752 alleles (0.002%); highest among the groups gnomAD compares: Non-Finnish European, 0.0028%; no homozygotes.

Submission:

Labcorp Genetics (formerly Invitae), Labcorp
Classification: Uncertain significance. Last evaluated: 2022-10-13. Review status: criteria provided, single submitter. Criteria: Invitae Variant Classification Sherloc (09022015). Collection method: clinical testing. Allele origin: germline.
Comment: This sequence change replaces lysine, which is basic and polar, with glutamic acid, which is acidic and polar, at codon 82 of the ASNS protein (p.Lys82Glu). The frequency data for this variant in the population databases is considered unreliable, as metrics indicate poor data quality at this position in the gnomAD database. This variant has not been reported in the literature in individuals affected with ASNS-related conditions. Advanced modeling of protein sequence and biophysical properties (such as structural, functional, and spatial information, amino acid conservation, physicochemical variation, residue mobility, and thermodynamic stability) performed at Invitae indicates that this missense variant is not expected to disrupt ASNS protein function. In summary, the available evidence is currently insufficient to determine the role of this variant in disease. Therefore, it has been classified as a Variant of Uncertain Significance.